The following is an entry in ClinVar:

ClinVar aggregate classification (germline): Uncertain significance (1 of 4 stars; one submission).

Conditions:
Emery-Dreifuss muscular dystrophy 5, autosomal dominant (EDMD5). Also called: EMERY-DREIFUSS MUSCULAR DYSTROPHY 5. Identifiers: Orphanet 261, MedGen C2751805, MONDO:0013072, OMIM 612999.

gnomAD v4.1: 21 of 1,614,048 alleles (0.0013%); highest among the groups gnomAD compares: Non-Finnish European, 0.0018%; no homozygotes.

Submission:

Labcorp Genetics (formerly Invitae), Labcorp
Classification: Uncertain significance for Emery-Dreifuss muscular dystrophy 5, autosomal dominant. Last evaluated: 2024-10-29. Review status: criteria provided, single submitter. Criteria: Invitae Variant Classification Sherloc (09022015). Collection method: clinical testing. Allele origin: germline.
Comment: This sequence change replaces tyrosine, which is neutral and polar, with cysteine, which is neutral and slightly polar, at codon 4727 of the SYNE2 protein (p.Tyr4727Cys). This variant is present in population databases (no rsID available, gnomAD 0.005%). This variant has not been reported in the literature in individuals affected with SYNE2-related conditions. An algorithm developed to predict the effect of missense changes on protein structure and function outputs the following: PolyPhen-2: "Benign". The cysteine amino acid residue is found in multiple mammalian species, which suggests that this missense change does not adversely affect protein function. In summary, the available evidence is currently insufficient to determine the role of this variant in disease. Therefore, it has been classified as a Variant of Uncertain Significance.

NM_182914.3(SYNE2):c.14180A>G (p.Tyr4727Cys)

Gene: SYNE2 (spectrin repeat containing nuclear envelope protein 2; plus strand). Cytogenetic location: 14q23.2.
Variant type: single nucleotide variant.
Coding change: c.14180A>G on transcript NM_182914.3 (MANE Select); coding-DNA position 14180, A replaced by G.
Protein change: p.Tyr4727Cys; replaces tyrosine 4727 with cysteine.
Molecular consequence: missense variant.
Genome position (GRCh38, 1-based): chr14:64,130,088, A>G. VCF-style: chr14-64130088-A-G. GRCh37 (hg19) VCF-style: chr14-64596806-A-G.
Other names: c.14180A>G, p.Tyr4727Cys (NM_015180.6); short protein forms Y4727C.
Identifiers: ClinVar variation 3693870 (VCV003693870.2).
Genomic context (GRCh38, chr14:64,130,088, plus strand): 5'-ACCTGCTCTTCTCTTTTCAGGATGTACTTGACAGTATGTGGGGAATGCTAAGAGCCAGGT[A>G]CACAGAACTCAGCAGCCCTTTCGTCACTGAGAGCCAGCAAGATGCTTTGTTGCAAGGCAT-3'
Protein context (NP_878918.2, residues 4717-4737): DSMWGMLRAR[Tyr4727Cys]TELSSPFVTE